The following is an entry in ClinVar:

ClinVar aggregate classification (germline): Uncertain significance. Review status: criteria provided, multiple submitters, no conflicts (2 of 4 stars). 3 submissions from 3 submitters: Uncertain significance (3). Last evaluated 2025-06-01.

Conditions:
Inborn genetic diseases. Identifiers: MedGen C0950123, MeSH D030342.
Charcot-Marie-Tooth disease type 2E (CMT2E). Also called: CHARCOT-MARIE-TOOTH DISEASE, AXONAL, TYPE 2E; CHARCOT-MARIE-TOOTH NEUROPATHY, TYPE 2E. Identifiers: Orphanet 99939, MedGen C1843225, MONDO:0011894, OMIM 607684.

Allele frequency attached by ClinVar (database versions not stated): gnomAD exomes below 0.00001; TOPMed 0.00002; gnomAD 0.00001.
gnomAD v4.1: 12 of 1,611,510 alleles (0.00074%); highest among the groups gnomAD compares: Non-Finnish European, 0.001%; no homozygotes.

Submissions (3):

Labcorp Genetics (formerly Invitae), Labcorp
Classification: Uncertain significance for Charcot-Marie-Tooth disease type 2E. Last evaluated: 2025-06-01. Review status: criteria provided, single submitter. Criteria: Invitae Variant Classification Sherloc (09022015). Collection method: clinical testing. Allele origin: germline.
Comment: This sequence change replaces valine, which is neutral and non-polar, with phenylalanine, which is neutral and non-polar, at codon 530 of the NEFL protein (p.Val530Phe). This variant is present in population databases (rs749130357, gnomAD 0.0009%). This variant has not been reported in the literature in individuals affected with NEFL-related conditions. ClinVar contains an entry for this variant (Variation ID: 234890). Invitae Evidence Modeling of protein sequence and biophysical properties (such as structural, functional, and spatial information, amino acid conservation, physicochemical variation, residue mobility, and thermodynamic stability) has been performed for this missense variant. However, the output from this modeling did not meet the statistical confidence thresholds required to predict the impact of this variant on NEFL protein function. In summary, the available evidence is currently insufficient to determine the role of this variant in disease. Therefore, it has been classified as a Variant of Uncertain Significance.

Ambry Genetics
Classification: Uncertain significance for Inborn genetic diseases. Last evaluated: 2021-10-06. Review status: criteria provided, single submitter. Criteria: Ambry Variant Classification Scheme 2023. Collection method: clinical testing. Allele origin: germline.
Comment: The p.V530F variant (also known as c.1588G>T), located in coding exon 4 of the NEFL gene, results from a G to T substitution at nucleotide position 1588. The valine at codon 530 is replaced by phenylalanine, an amino acid with highly similar properties. This amino acid position is conserved. In addition, this alteration is predicted to be tolerated by in silico analysis. Since supporting evidence is limited at this time, the clinical significance of this alteration remains unclear.

GeneDx
Classification: Uncertain significance. Last evaluated: 2016-03-22. Review status: criteria provided, single submitter. Criteria: GeneDx Variant Classification (06012015). Collection method: clinical testing. Allele origin: germline. Affected: yes.
Comment: A variant of uncertain significance has been identified in the NEFL gene. The V530F variant has not been published as a pathogenic variant, nor has it been reported as a benign variant to our knowledge. It was not observed in approximately 6,000 individuals of European and African American ancestry in the NHLBI Exome Sequencing Project, indicating it is not a common benign variant in these populations. The V530F variant is a semi-conservative amino acid substitution, which may impact secondary protein structure as these residues differ in some properties. However, this substitution occurs at a position that is not conserved. In silico analysis is inconsistent in its predictions as to whether or not the variant is damaging to the protein structure/function. Therefore, based on the currently available information, it is unclear whether this variant is a pathogenic variant or a rare benign variant.

NM_006158.5(NEFL):c.1588G>T (p.Val530Phe)

Gene: NEFL (neurofilament light chain; minus strand). Cytogenetic location: 8p21.2.
Variant type: single nucleotide variant.
Coding change: c.1588G>T on transcript NM_006158.5 (MANE Select); coding-DNA position 1588, G replaced by T.
Protein change: p.Val530Phe; replaces valine 530 with phenylalanine.
Molecular consequence: missense variant.
Genome position (GRCh38, 1-based): chr8:24,952,854, C>A on the plus strand (G>T on the coding strand, the complement: NEFL is on the minus strand). VCF-style: chr8-24952854-C-A. GRCh37 (hg19) VCF-style: chr8-24810367-C-A.
Other names: short protein forms V530F.
Identifiers: ClinVar variation 234890 (VCV000234890.7), dbSNP rs749130357, ClinGen allele CA4681223.
Genomic context (GRCh38, chr8:24,952,854, plus strand): 5'-TTAAGGAAATGGGGGTTCAATCTTTCTTCTTAGCTGCTTGTTCCTCCCCAGCACCTTCAA[C>A]TTTCTTCTCCTCCTCTTCAGCTTCTTTGGTTTCCTCTCCTTCTTCACCTTCACCTCCTTC-3'
Protein context (NP_006149.2, residues 520-540): TKEAEEEEKK[Val530Phe]EGAGEEQAAK